The following is an entry in ClinVar:

NM_015151.4(DIP2A):c.1115G>A (p.Ser372Asn)

Gene: DIP2A (disco interacting protein 2 homolog A; plus strand). Cytogenetic location: 21q22.3.
Variant type: single nucleotide variant.
Coding change: c.1115G>A on transcript NM_015151.4 (MANE Select); coding-DNA position 1115, G replaced by A.
Protein change: p.Ser372Asn; replaces serine 372 with asparagine.
Molecular consequence: missense variant.
Genome position (GRCh38, 1-based): chr21:46,529,104, G>A. VCF-style: chr21-46529104-G-A. GRCh37 (hg19) VCF-style: chr21-47949017-G-A.
Other names: c.986G>A, p.Ser329Asn (NM_001146115.2); c.1103G>A, p.Ser368Asn (NM_001146116.2); c.1118G>A, p.Ser373Asn (NM_001353942.2); c.1115G>A, p.Ser372Asn (NM_001353943.2, NM_001410751.1, NM_206889.3 and 2 more transcripts); c.866G>A, p.Ser289Asn (NM_001353944.2); short protein forms S289N, S329N, S368N, S372N, S373N.
Identifiers: ClinVar variation 3055869 (VCV003055869.2), dbSNP rs16979312, ClinGen allele CA10081913.
Genomic context (GRCh38, chr21:46,529,104, plus strand): 5'-ACTTGTTTCTTAAATTTTACATTGCTTAGTATTTTTATTTTGTTTTAGGTAAACTTTGGA[G>A]TCGGAGTTTAAAACTAGCTTATACTCTACTTAATAAACTGACAAGTAAGAATGAACCTCT-3'
Protein context (NP_055966.2, residues 362-382): VYTLTYGKLW[Ser372Asn]RSLKLAYTLL

ClinVar aggregate classification (germline): Benign (0 of 4 stars; one submission).

Conditions:
DIP2A-related disorder. Also called: DIP2A-related condition.

Allele frequency attached by ClinVar (database versions not stated): gnomAD exomes 0.00440; ExAC 0.01779; ESP Exome Variant Server 0.04430; gnomAD 0.04672; 1000 Genomes Project 0.04912; TOPMed 0.05254; 1000 Genomes Project 30x 0.05497.
gnomAD v4.1: 13,449 of 1,509,254 alleles (0.89%); highest among the groups gnomAD compares: African/African-American, 16%; 895 homozygotes.

Submission:

PreventionGenetics, part of Exact Sciences
Classification: Benign for DIP2A-related condition. Last evaluated: 2019-06-13. Review status: no assertion criteria provided. Collection method: clinical testing. Allele origin: germline.
Comment: This variant is classified as benign based on ACMG/AMP sequence variant interpretation guidelines (Richards et al. 2015 PMID: 25741868, with internal and published modifications).